The following is an entry in ClinVar:

NM_002397.5(MEF2C):c.856C>T (p.Gln286Ter)

Gene: MEF2C (myocyte enhancer factor 2C; minus strand). Cytogenetic location: 5q14.3.
Variant type: single nucleotide variant.
Coding change: c.856C>T on transcript NM_002397.5 (MANE Select); coding-DNA position 856, C replaced by T.
Protein change: p.Gln286Ter; replaces glutamine 286 with a stop codon.
Molecular consequence: nonsense.
Genome position (GRCh38, 1-based): chr5:88,729,326, G>A on the plus strand (C>T on the coding strand, the complement: MEF2C is on the minus strand). VCF-style: chr5-88729326-G-A. GRCh37 (hg19) VCF-style: chr5-88025143-G-A.
Other names: c.886C>T, p.Gln296Ter (NM_001364338.2, NM_001193347.1); c.832C>T, p.Gln278Ter (NM_001364339.2, NM_001364340.2, NM_001364341.2 and 6 more transcripts); c.826C>T, p.Gln276Ter (NM_001364343.2, NM_001364352.2, NM_001131005.2); c.712C>T, p.Gln238Ter (NM_001364344.2, NM_001364354.2, NM_001364355.2 and 2 more transcripts); c.856C>T, p.Gln286Ter (NM_001364345.2, NM_001364346.2, NM_001364347.2 and 9 more transcripts); c.478C>T, p.Gln160Ter (NM_001364353.2, NM_001364356.2); c.406C>T, p.Gln136Ter (NM_001364357.2); c.688C>T, p.Gln230Ter (NM_001193348.1); short protein forms Q136*, Q160*, Q230*, Q238*, Q276*, Q278*, Q286*, Q296*.
Identifiers: ClinVar variation 4855075 (VCV004855075.1).

ClinVar aggregate classification (germline): Likely pathogenic (1 of 4 stars; one submission).

Conditions:
Neurodevelopmental disorder with hypotonia, stereotypic hand movements, and impaired language. Also called: Intellectual disability, autosomal dominant 20. Identifiers: Orphanet 228384, Orphanet 664410, MedGen C3150700, MONDO:0013266, OMIM 613443.

Submission:

3billion
Classification: Likely pathogenic for Neurodevelopmental disorder with hypotonia, stereotypic hand movements, and impaired language. Last evaluated: 2025-07-25. Review status: criteria provided, single submitter. Criteria: ACMG Guidelines, 2015. Collection method: clinical testing. Allele origin: germline. Affected: yes.
Comment: The variant is not observed in the gnomAD v4.1.0 dataset. Predicted Consequence/Location: Stop-gained (nonsense): predicted to result in a loss or disruption of normal protein function through nonsense-mediated decay (NMD) or protein truncation. Multiple pathogenic variants are reported downstream of the variant. Therefore, this variant is classified as Likely pathogenic according to the recommendation of ACMG/AMP guideline.